The following is an entry in ClinVar:

NM_020754.4(ARHGAP31):c.3124G>A (p.Glu1042Lys)

Gene: ARHGAP31 (Rho GTPase activating protein 31; plus strand). Cytogenetic location: 3q13.33.
Variant type: single nucleotide variant.
Coding change: c.3124G>A on transcript NM_020754.4 (MANE Select); coding-DNA position 3124, G replaced by A.
Protein change: p.Glu1042Lys; replaces glutamic acid 1042 with lysine.
Molecular consequence: missense variant.
Genome position (GRCh38, 1-based): chr3:119,415,053, G>A. VCF-style: chr3-119415053-G-A. GRCh37 (hg19) VCF-style: chr3-119133900-G-A.
Other names: short protein forms E1042K.
Identifiers: ClinVar variation 2228546 (VCV002228546.4), dbSNP rs755744006, ClinGen allele CA2554149.

ClinVar aggregate classification (germline): Conflicting classifications of pathogenicity. Review status: criteria provided, conflicting classifications (1 of 4 stars). 2 submissions from 2 submitters: Uncertain significance (1); Likely benign (1). Last evaluated 2026-07-08.

Conditions:
Inborn genetic diseases. Identifiers: MedGen C0950123, MeSH D030342.

Allele frequency attached by ClinVar (database versions not stated): gnomAD 0.00001; TOPMed 0.00002; ExAC 0.00002; gnomAD exomes 0.00004.
gnomAD v4.1: 64 of 1,614,102 alleles (0.004%); highest among the groups gnomAD compares: Non-Finnish European, 0.0049%; no homozygotes.

Submissions (2):

Ambry Genetics
Classification: Likely benign for Inborn genetic diseases. Last evaluated: 2026-07-08. Review status: criteria provided, single submitter. Criteria: Ambry Variant Classification Scheme 2023. Collection method: clinical testing. Allele origin: germline.

Labcorp Genetics (formerly Invitae), Labcorp
Classification: Uncertain significance. Last evaluated: 2025-06-03. Review status: criteria provided, single submitter. Criteria: Invitae Variant Classification Sherloc (09022015). Collection method: clinical testing. Allele origin: germline.
Comment: This sequence change replaces glutamic acid, which is acidic and polar, with lysine, which is basic and polar, at codon 1042 of the ARHGAP31 protein (p.Glu1042Lys). This variant is present in population databases (rs755744006, gnomAD 0.004%). This variant has not been reported in the literature in individuals affected with ARHGAP31-related conditions. ClinVar contains an entry for this variant (Variation ID: 2228546). An algorithm developed to predict the effect of missense changes on protein structure and function (PolyPhen-2) suggests that this variant is likely to be disruptive. In summary, the available evidence is currently insufficient to determine the role of this variant in disease. Therefore, it has been classified as a Variant of Uncertain Significance.